The following is an entry in ClinVar:

NM_001242896.3(DEPDC5):c.3886G>T (p.Val1296Leu)

Gene: DEPDC5 (DEP domain containing 5, GATOR1 subcomplex subunit; plus strand). Cytogenetic location: 22q12.3.
Variant type: single nucleotide variant.
Coding change: c.3886G>T on transcript NM_001242896.3 (MANE Select); coding-DNA position 3886, G replaced by T.
Protein change: p.Val1296Leu; replaces valine 1296 with leucine.
Molecular consequence: missense variant. On other transcripts: non-coding transcript variant (5).
Genome position (GRCh38, 1-based): chr22:31,879,605, G>T. VCF-style: chr22-31879605-G-T. GRCh37 (hg19) VCF-style: chr22-32275591-G-T.
Other names: c.3859G>T, p.Val1287Leu (NM_001136029.4); c.3586G>T, p.Val1196Leu (NM_001242897.2); c.3820G>T, p.Val1274Leu (NM_001363852.2, NM_001364320.2); c.3652G>T, p.Val1218Leu (NM_001363854.2, NM_001364319.2); c.3886G>T, p.Val1296Leu (NM_001364318.2); c.3802G>T, p.Val1268Leu (NM_001369901.1, NM_001369902.1); c.3793G>T, p.Val1265Leu (NM_001369903.1, NM_014662.6); short protein forms V1296L, V1196L, V1265L, V1268L, V1287L, V1218L, V1274L.
Identifiers: ClinVar variation 573207 (VCV000573207.10), dbSNP rs1569186162, ClinGen allele CA411282133.

ClinVar aggregate classification (germline): Uncertain significance (1 of 4 stars; one submission).

Conditions:
Familial focal epilepsy with variable foci (FPEVF). Identifiers: Orphanet 98820, MedGen C1858477, MONDO:0020310.

gnomAD v4.1: 1 of 1,613,930 alleles (0.000062%); highest among the groups gnomAD compares: Non-Finnish European, 0.000085%; no homozygotes.

Submission:

Labcorp Genetics (formerly Invitae), Labcorp
Classification: Uncertain significance for Familial focal epilepsy with variable foci. Last evaluated: 2022-12-12. Review status: criteria provided, single submitter. Criteria: Invitae Variant Classification Sherloc (09022015). Collection method: clinical testing. Allele origin: germline.
Comment: In summary, the available evidence is currently insufficient to determine the role of this variant in disease. Therefore, it has been classified as a Variant of Uncertain Significance. Algorithms developed to predict the effect of missense changes on protein structure and function are either unavailable or do not agree on the potential impact of this missense change (SIFT: "Deleterious"; PolyPhen-2: "Not Available"; Align-GVGD: "Class C0"). ClinVar contains an entry for this variant (Variation ID: 573207). This variant has not been reported in the literature in individuals affected with DEPDC5-related conditions. This variant is not present in population databases (gnomAD no frequency). This sequence change replaces valine, which is neutral and non-polar, with leucine, which is neutral and non-polar, at codon 1296 of the DEPDC5 protein (p.Val1296Leu).